The following is an entry in ClinVar:

ClinVar aggregate classification (germline): Uncertain significance (1 of 4 stars; one submission).

Conditions:
Hereditary cancer-predisposing syndrome. Also called: Neoplastic Syndromes, Hereditary; Tumor predisposition; Hereditary Cancer Syndrome; Hereditary neoplastic syndrome. Identifiers: Orphanet 140162, MedGen C0027672, MeSH D009386, MONDO:0015356.

Submission:

Ambry Genetics
Classification: Uncertain significance for Hereditary cancer-predisposing syndrome. Last evaluated: 2017-07-25. Review status: criteria provided, single submitter. Criteria: Ambry Variant Classification Scheme 2023. Collection method: clinical testing. Allele origin: germline.
Comment: The p.T439I variant (also known as c.1316C>T), located in coding exon 11 of the MRE11A gene, results from a C to T substitution at nucleotide position 1316. The threonine at codon 439 is replaced by isoleucine, an amino acid with similar properties. This amino acid position is well conserved in available vertebrate species. In addition, the in silico prediction for this alteration is inconclusive. Since supporting evidence is limited at this time, the clinical significance of this alteration remains unclear.

NM_005591.4(MRE11):c.1316C>T (p.Thr439Ile)

Gene: MRE11 (MRE11 double strand break repair nuclease; minus strand). Cytogenetic location: 11q21.
Variant type: single nucleotide variant.
Coding change: c.1316C>T on transcript NM_005591.4 (MANE Select); coding-DNA position 1316, C replaced by T.
Protein change: p.Thr439Ile; replaces threonine 439 with isoleucine.
Molecular consequence: missense variant.
Genome position (GRCh38, 1-based): chr11:94,460,946, G>A on the plus strand (C>T on the coding strand, the complement: MRE11 is on the minus strand). VCF-style: chr11-94460946-G-A. GRCh37 (hg19) VCF-style: chr11-94194112-G-A.
Other names: c.1316C>T, p.Thr439Ile (NM_001330347.2, NM_005590.4); short protein forms T439I.
Identifiers: ClinVar variation 483655 (VCV000483655.5), dbSNP rs1555009844, ClinGen allele CA382372285.